The following is an entry in ClinVar:

NM_018646.6(TRPV6):c.1556C>T (p.Thr519Ile)

Gene: TRPV6 (transient receptor potential cation channel subfamily V member 6; minus strand). Cytogenetic location: 7q34.
Variant type: single nucleotide variant.
Coding change: c.1556C>T on transcript NM_018646.6 (MANE Select); coding-DNA position 1556, C replaced by T.
Protein change: p.Thr519Ile; replaces threonine 519 with isoleucine.
Molecular consequence: missense variant.
Genome position (GRCh38, 1-based): chr7:142,874,507, G>A on the plus strand (C>T on the coding strand, the complement: TRPV6 is on the minus strand). VCF-style: chr7-142874507-G-A. GRCh37 (hg19) VCF-style: chr7-142572260-G-A.
Other names: short protein forms T519I.
Identifiers: ClinVar variation 3648167 (VCV003648167.2).

ClinVar aggregate classification (germline): Uncertain significance (1 of 4 stars; one submission).

Submission:

Labcorp Genetics (formerly Invitae), Labcorp
Classification: Uncertain significance. Last evaluated: 2024-06-28. Review status: criteria provided, single submitter. Criteria: Invitae Variant Classification Sherloc (09022015). Collection method: clinical testing. Allele origin: germline.
Comment: This sequence change replaces threonine, which is neutral and polar, with isoleucine, which is neutral and non-polar, at codon 519 of the TRPV6 protein (p.Thr519Ile). This variant is not present in population databases (gnomAD no frequency). This variant has not been reported in the literature in individuals affected with TRPV6-related conditions. Experimental studies and prediction algorithms are not available or were not evaluated, and the functional significance of this variant is currently unknown. In summary, the available evidence is currently insufficient to determine the role of this variant in disease. Therefore, it has been classified as a Variant of Uncertain Significance.